The following is an entry in ClinVar:

NM_001252102.2(KIF21B):c.1451A>G (p.Glu484Gly)

Gene: KIF21B (kinesin family member 21B; minus strand). Cytogenetic location: 1q32.1.
Variant type: single nucleotide variant.
Coding change: c.1451A>G on transcript NM_001252102.2 (MANE Select); coding-DNA position 1451, A replaced by G.
Protein change: p.Glu484Gly; replaces glutamic acid 484 with glycine.
Molecular consequence: missense variant.
Genome position (GRCh38, 1-based): chr1:201,000,732, T>C on the plus strand (A>G on the coding strand, the complement: KIF21B is on the minus strand). VCF-style: chr1-201000732-T-C. GRCh37 (hg19) VCF-style: chr1-200969860-T-C.
Other names: c.1451A>G, p.Glu484Gly (NM_001252100.2, NM_001252103.2, NM_017596.4); short protein forms E484G.
Identifiers: ClinVar variation 3358954 (VCV003358954.2).

ClinVar aggregate classification (germline): Uncertain significance (1 of 4 stars; one submission).

Conditions:
KIF21B-associated neurodevelopmental disorder.

Submission:

Institute of Human Genetics, University of Leipzig Medical Center
Classification: Uncertain significance for KIF21B-associated neurodevelopmental disorder. Last evaluated: 2024-05-31. Review status: criteria provided, single submitter. Criteria: ACMG Guidelines, 2015. Collection method: clinical testing. Allele origin: unknown. Inheritance: Autosomal dominant inheritance. Affected: yes.
Comment: Criteria applied: PM2,PP2,PP3